The following is an entry in ClinVar:

NM_000637.5(GSR):c.1281G>A (p.Thr427=)

Gene: GSR (glutathione-disulfide reductase; minus strand). Cytogenetic location: 8p12.
Variant type: single nucleotide variant.
Coding change: c.1281G>A on transcript NM_000637.5 (MANE Select); coding-DNA position 1281, G replaced by A.
Protein change: p.Thr427=; no amino-acid change (threonine 427 retained).
Molecular consequence: synonymous variant.
Genome position (GRCh38, 1-based): chr8:30,681,934, C>T on the plus strand (G>A on the coding strand, the complement: GSR is on the minus strand). VCF-style: chr8-30681934-C-T. GRCh37 (hg19) VCF-style: chr8-30539451-C-T.
Other names: c.1281G>A (NM_000637.3); c.1194G>A, p.Thr398= (NM_001195102.3); c.1122G>A, p.Thr374= (NM_001195103.3); c.1035G>A, p.Thr345= (NM_001195104.3).
Identifiers: ClinVar variation 2166157 (VCV002166157.6), dbSNP rs371587793, ClinGen allele CA4701235.

ClinVar aggregate classification (germline): Likely benign. Review status: criteria provided, single submitter (1 of 4 stars). 2 submissions from 2 submitters: Likely benign (1). 1 of the submissions does not count toward it. Last evaluated 2022-08-22.

Conditions:
GSR-related disorder. Also called: GSR-related condition.

Allele frequency attached by ClinVar (database versions not stated): ESP Exome Variant Server 0.00008; TOPMed 0.00009; gnomAD 0.00010; ExAC 0.00034.

Submissions (2):

Labcorp Genetics (formerly Invitae), Labcorp
Classification: Likely benign. Last evaluated: 2022-08-22. Review status: criteria provided, single submitter. Criteria: Invitae Variant Classification Sherloc (09022015). Collection method: clinical testing. Allele origin: germline.

PreventionGenetics, part of Exact Sciences
Classification: Likely benign for GSR-related condition. Last evaluated: 2022-08-08. Review status: no assertion criteria provided. Collection method: clinical testing. Allele origin: germline. Not counted in ClinVar's aggregate classification.
Comment: This variant is classified as likely benign based on ACMG/AMP sequence variant interpretation guidelines (Richards et al. 2015 PMID: 25741868, with internal and published modifications).